The following is an entry in ClinVar:

NM_017849.4(TMEM127):c.675_676delinsAA (p.Val226Ile)

Gene: TMEM127 (transmembrane protein 127; minus strand). Cytogenetic location: 2q11.2.
Variant type: Indel.
Coding change: c.675_676delinsAA on transcript NM_017849.4 (MANE Select); coding-DNA positions 675 to 676, GG replaced by AA.
Protein change: p.Val226Ile; replaces valine 226 with isoleucine.
Molecular consequence: missense variant.
Genome position (GRCh38, 1-based): chr2:96,253,849-96,253,850, CC replaced by TT on the plus strand (GG replaced by AA on the coding strand, the reverse complement: TMEM127 is on the minus strand). VCF-style: chr2-96253849-CC-TT. GRCh37 (hg19) VCF-style: chr2-96919587-CC-TT.
Other names: c.675_676delinsAA, p.Val226Ile (NM_001193304.3); c.423_424delinsAA, p.Val142Ile (NM_001407282.1, NM_001407283.1); short protein forms V142I, V226I.
Identifiers: ClinVar variation 4865724 (VCV004865724.1).

ClinVar aggregate classification (germline): Uncertain significance (1 of 4 stars; one submission).

Conditions:
Hereditary cancer-predisposing syndrome. Also called: Neoplastic Syndromes, Hereditary; Tumor predisposition; Hereditary Cancer Syndrome; Hereditary neoplastic syndrome. Identifiers: Orphanet 140162, MedGen C0027672, MeSH D009386, MONDO:0015356.

Submission:

Ambry Genetics
Classification: Uncertain significance for Hereditary cancer-predisposing syndrome. Last evaluated: 2026-04-13. Review status: criteria provided, single submitter. Criteria: Ambry Variant Classification Scheme 2023. Collection method: clinical testing. Allele origin: germline.
Comment: The c.675_676delGGinsAA variant (also known as p.V226I), located in coding exon 3 of the TMEM127 gene, results from an in-frame deletion of GG and insertion of AA at nucleotide positions 675 to 676. This results in the substitution of the valine residue for an isoleucine residue at codon 226, an amino acid with highly similar properties. This nucleotide region is not well conserved in available vertebrate species. In addition, this variant is predicted to be neutral by in silico analysis (Choi Y et al. PLoS ONE. 2012; 7(10):e46688). Based on the available evidence, the clinical significance of this variant remains unclear.